The following is an entry in ClinVar:

NM_001031855.3(LONRF3):c.242G>A (p.Gly81Glu)

Gene: LONRF3 (LON peptidase N-terminal domain and ring finger 3; plus strand). Cytogenetic location: Xq24.
Variant type: single nucleotide variant.
Coding change: c.242G>A on transcript NM_001031855.3 (MANE Select); coding-DNA position 242, G replaced by A.
Protein change: p.Gly81Glu; replaces glycine 81 with glutamic acid.
Molecular consequence: missense variant. On other transcripts: non-coding transcript variant (1).
Genome position (GRCh38, 1-based): chrX:118,975,022, G>A. VCF-style: chrX-118975022-G-A. GRCh37 (hg19) VCF-style: chrX-118108985-G-A.
Other names: c.242G>A, p.Gly81Glu (NM_024778.5); short protein forms G81E.
Identifiers: ClinVar variation 1710392 (VCV001710392.3), dbSNP rs767356243, ClinGen allele CA10500419.

ClinVar aggregate classification (germline): Uncertain significance (1 of 4 stars; one submission).

Allele frequency attached by ClinVar (database versions not stated): gnomAD exomes below 0.00001; gnomAD 0.00001; ExAC 0.00009.
gnomAD v4.1: 6 of 1,172,447 alleles (0.00051%); highest among the groups gnomAD compares: Non-Finnish European, 0.00068%; no homozygotes.

Submission:

Greenwood Genetic Center Diagnostic Laboratories, Greenwood Genetic Center
Classification: Uncertain significance. Last evaluated: 2022-09-07. Review status: criteria provided, single submitter. Criteria: ACMG Guidelines, 2015. Collection method: clinical testing. Allele origin: germline. Affected: yes.
Comment: Gene of Uncertain Significance